The following is an entry in ClinVar:

NM_001177693.2(ARHGEF28):c.683G>T (p.Ser228Ile)

Gene: ARHGEF28 (Rho guanine nucleotide exchange factor 28; plus strand). Cytogenetic location: 5q13.2.
Variant type: single nucleotide variant.
Coding change: c.683G>T on transcript NM_001177693.2 (MANE Select); coding-DNA position 683, G replaced by T.
Protein change: p.Ser228Ile; replaces serine 228 with isoleucine.
Molecular consequence: missense variant.
Genome position (GRCh38, 1-based): chr5:73,776,539, G>T. VCF-style: chr5-73776539-G-T. GRCh37 (hg19) VCF-style: chr5-73072364-G-T.
Other names: c.683G>T, p.Ser228Ile (NM_001080479.3, NM_001388078.1); c.389G>T, p.Ser130Ile (NM_001388076.1); short protein forms S130I, S228I.
Identifiers: ClinVar variation 3358647 (VCV003358647.1).

ClinVar aggregate classification (germline): Uncertain significance (0 of 4 stars; one submission).

Conditions:
ARHGEF28-related disorder. Also called: ARHGEF28-related condition.

gnomAD v4.1: 4 of 1,611,936 alleles (0.00025%); highest among the groups gnomAD compares: Admixed American, 0.005%; no homozygotes.

Submission:

PreventionGenetics, part of Exact Sciences
Classification: Uncertain significance for ARHGEF28-related condition. Last evaluated: 2024-03-29. Review status: no assertion criteria provided. Collection method: clinical testing. Allele origin: germline.
Comment: The ARHGEF28 c.683G>T variant is predicted to result in the amino acid substitution p.Ser228Ile. To our knowledge, this variant has not been reported in the literature. This variant is reported in 0.0058% of alleles in individuals of Latino descent in gnomAD. At this time, the clinical significance of this variant is uncertain due to the absence of conclusive functional and genetic evidence.